The following is an entry in ClinVar:

NM_006660.5(CLPX):c.1146+13G>A

Gene: CLPX (caseinolytic mitochondrial matrix peptidase chaperone subunit X; minus strand). Cytogenetic location: 15q22.31.
Variant type: single nucleotide variant.
Coding change: c.1146+13G>A on transcript NM_006660.5 (MANE Select); 13 bases into the intron after coding-DNA position 1146, G replaced by A.
Molecular consequence: intron variant. On other transcripts: non-coding transcript variant (1).
Genome position (GRCh38, 1-based): chr15:65,156,831, C>T on the plus strand (G>A on the coding strand, the complement: CLPX is on the minus strand). VCF-style: chr15-65156831-C-T. GRCh37 (hg19) VCF-style: chr15-65449169-C-T.
Other names: p.?.
Identifiers: ClinVar variation 1164995 (VCV001164995.16), dbSNP rs2946670, ClinGen allele CA7614721.

ClinVar aggregate classification (germline): Benign/Likely benign. Review status: criteria provided, multiple submitters, no conflicts (2 of 4 stars). 5 submissions from 5 submitters: Benign (4); Likely benign (1). Last evaluated 2026-02-04.

Conditions:
Protoporphyria, erythropoietic, 2 (EPP2). Identifiers: MedGen C4693947, MONDO:0060729, OMIM 618015.

Allele frequency attached by ClinVar (database versions not stated): TOPMed 0.99993; gnomAD 0.99995 and 0.99997; ExAC 0.99998; gnomAD exomes 0.99999 and 1.00000; 1000 Genomes Project 1.00000; 1000 Genomes Project 30x 1.00000.
gnomAD v4.1: 1,590,129 of 1,590,138 alleles (100%); highest among the groups gnomAD compares: Non-Finnish European, 100%; 795,060 homozygotes.

Submissions (5):

Labcorp Genetics (formerly Invitae), Labcorp
Classification: Benign. Last evaluated: 2026-02-04. Review status: criteria provided, single submitter. Criteria: Invitae Variant Classification Sherloc (09022015). Collection method: clinical testing. Allele origin: germline.

Mayo Clinic Laboratories, Mayo Clinic
Classification: Likely benign. Last evaluated: 2025-10-28. Review status: criteria provided, single submitter. Criteria: ACMG Guidelines, 2015. Collection method: clinical testing. Allele origin: germline. Observed: 480 variant alleles.
Comment: BP4, BP7

Blueprint Genetics
Classification: Benign. Last evaluated: 2024-11-27. Review status: criteria provided, single submitter. Criteria: ACMG Guidelines, 2015. Collection method: clinical testing. Allele origin: germline.

Genome-Nilou Lab
Classification: Benign for Protoporphyria, erythropoietic, 2. Last evaluated: 2021-07-22. Review status: criteria provided, single submitter. Criteria: ACMG Guidelines, 2015. Collection method: clinical testing. Allele origin: germline. Affected: no.

Breakthrough Genomics
Classification: Benign. Review status: criteria provided, single submitter. Criteria: ACMG Guidelines, 2015. Collection method: not provided. Allele origin: germline. Inheritance: Autosomal dominant inheritance. Affected: yes.